The following is an entry in ClinVar:

NM_014585.6(SLC40A1):c.190T>C (p.Tyr64His)

Gene: SLC40A1 (solute carrier family 40 member 1; minus strand). Cytogenetic location: 2q32.2.
Variant type: single nucleotide variant.
Coding change: c.190T>C on transcript NM_014585.6 (MANE Select); coding-DNA position 190, T replaced by C.
Protein change: p.Tyr64His; replaces tyrosine 64 with histidine.
Molecular consequence: missense variant.
Genome position (GRCh38, 1-based): chr2:189,575,242, A>G on the plus strand (T>C on the coding strand, the complement: SLC40A1 is on the minus strand). VCF-style: chr2-189575242-A-G. GRCh37 (hg19) VCF-style: chr2-190439968-A-G.
Other names: short protein forms Y64H.
Identifiers: ClinVar variation 956190 (VCV000956190.9), dbSNP rs1285653301, ClinGen allele CA349989758.

ClinVar aggregate classification (germline): Uncertain significance (1 of 4 stars; one submission).

Conditions:
Hemochromatosis type 4 (HFE4). Also called: Ferroportin disease; HEMOCHROMATOSIS DUE TO DEFECT IN FERROPORTIN; HEMOCHROMATOSIS, AUTOSOMAL DOMINANT. Identifiers: Orphanet 139491, Orphanet 647834, Orphanet 648562, MedGen C1853733, MONDO:0011631, OMIM 606069.

Submission:

Labcorp Genetics (formerly Invitae), Labcorp
Classification: Uncertain significance for Hemochromatosis type 4. Last evaluated: 2021-07-16. Review status: criteria provided, single submitter. Criteria: Invitae Variant Classification Sherloc (09022015). Collection method: clinical testing. Allele origin: germline.
Comment: Algorithms developed to predict the effect of missense changes on protein structure and function are either unavailable or do not agree on the potential impact of this missense change (SIFT: "Tolerated"; PolyPhen-2: "Probably Damaging"; Align-GVGD: "Class C0"). In summary, the available evidence is currently insufficient to determine the role of this variant in disease. Therefore, it has been classified as a Variant of Uncertain Significance. This variant disrupts the p.Tyr64 amino acid residue in SLC40A1 (also referred to as SLC11A3). Other variant(s) that disrupt this residue have been determined to be pathogenic (PMID: 12857562). This suggests that this residue is clinically significant, and that variants that disrupt this residue are likely to be disease-causing. This variant has been observed in an individual affected with ferroportin disease (PMID: 25396007). This variant is not present in population databases (ExAC no frequency). This sequence change replaces tyrosine with histidine at codon 64 of the SLC40A1 protein (p.Tyr64His). The tyrosine residue is highly conserved and there is a moderate physicochemical difference between tyrosine and histidine.

Literature cited by the submitters: PubMed 12857562; PubMed 25396007.